The following is an entry in ClinVar:

ClinVar aggregate classification (germline): Uncertain significance (1 of 4 stars; one submission).

Conditions:
Multiple endocrine neoplasia, type 1 (MEN1). Also called: MEN I; WERMER SYNDROME; Endocrine adenomatosis multiple; MEN 1; MEA I. Identifiers: Orphanet 652, MedGen C0025267, MeSH D018761, MONDO:0007540, OMIM 131100.

Allele frequency attached by ClinVar (database versions not stated): gnomAD exomes below 0.00001.
gnomAD v4.1: 1 of 1,614,160 alleles (0.000062%); highest among the groups gnomAD compares: Non-Finnish European, 0.000085%; no homozygotes.

Submission:

Labcorp Genetics (formerly Invitae), Labcorp
Classification: Uncertain significance for Multiple endocrine neoplasia, type 1. Last evaluated: 2023-06-09. Review status: criteria provided, single submitter. Criteria: Invitae Variant Classification Sherloc (09022015). Collection method: clinical testing. Allele origin: germline.
Comment: In summary, the available evidence is currently insufficient to determine the role of this variant in disease. Therefore, it has been classified as a Variant of Uncertain Significance. Advanced modeling of protein sequence and biophysical properties (such as structural, functional, and spatial information, amino acid conservation, physicochemical variation, residue mobility, and thermodynamic stability) performed at Invitae indicates that this missense variant is expected to disrupt MEN1 protein function. This variant has not been reported in the literature in individuals affected with MEN1-related conditions. This variant is not present in population databases (gnomAD no frequency). This sequence change replaces proline, which is neutral and non-polar, with alanine, which is neutral and non-polar, at codon 428 of the MEN1 protein (p.Pro428Ala).

NM_001370259.2(MEN1):c.1282C>G (p.Pro428Ala)

Gene: MEN1 (menin 1; minus strand). Cytogenetic location: 11q13.1.
Variant type: single nucleotide variant.
Coding change: c.1282C>G on transcript NM_001370259.2 (MANE Select); coding-DNA position 1282, C replaced by G.
Protein change: p.Pro428Ala; replaces proline 428 with alanine.
Molecular consequence: missense variant. On other transcripts: non-coding transcript variant (4), intron variant (1).
Genome position (GRCh38, 1-based): chr11:64,805,102, G>C on the plus strand (C>G on the coding strand, the complement: MEN1 is on the minus strand). VCF-style: chr11-64805102-G-C. GRCh37 (hg19) VCF-style: chr11-64572574-G-C.
Other names: c.1408C>G, p.Pro470Ala (NM_001370251.2, NM_001407142.1, NM_001407143.1 and 1 more transcripts); c.1297C>G, p.Pro433Ala (NM_000244.4, NM_130800.3, NM_130801.3 and 4 more transcripts); c.1282C>G, p.Pro428Ala (NM_001370260.2, NM_001370261.2, NM_130799.3 and 2 more transcripts); c.1177C>G, p.Pro393Ala (NM_001370262.2, NM_001370263.2, NM_001407148.1 and 1 more transcripts); c.1303C>G, p.Pro435Ala (NM_001407151.1); c.1186-286C>G (NM_001407152.1); c.1423C>G, p.Pro475Ala (NM_001407150.1); short protein forms P393A, P475A, P428A, P433A, P435A, P470A.
Identifiers: ClinVar variation 2817851 (VCV002817851.3), dbSNP rs2497143442, ClinGen allele CA381180321.